The following is an entry in ClinVar:

ClinVar aggregate classification (germline): Uncertain significance (1 of 4 stars; one submission).

Conditions:
Tuberous sclerosis 2 (TSC2). Identifiers: Orphanet 805, MedGen C1860707, MONDO:0013199, OMIM 613254.

Submission:

Labcorp Genetics (formerly Invitae), Labcorp
Classification: Uncertain significance for Tuberous sclerosis 2. Last evaluated: 2024-06-18. Review status: criteria provided, single submitter. Criteria: Invitae Variant Classification Sherloc (09022015). Collection method: clinical testing. Allele origin: germline.
Comment: This sequence change replaces serine, which is neutral and polar, with alanine, which is neutral and non-polar, at codon 1385 of the TSC2 protein (p.Ser1385Ala). This variant is not present in population databases (gnomAD no frequency). This variant has not been reported in the literature in individuals affected with TSC2-related conditions. Advanced modeling of protein sequence and biophysical properties (such as structural, functional, and spatial information, amino acid conservation, physicochemical variation, residue mobility, and thermodynamic stability) performed at Invitae indicates that this missense variant is not expected to disrupt TSC2 protein function with a negative predictive value of 95%. In summary, the available evidence is currently insufficient to determine the role of this variant in disease. Therefore, it has been classified as a Variant of Uncertain Significance.

NM_000548.5(TSC2):c.4153T>G (p.Ser1385Ala)

Gene: TSC2 (TSC complex subunit 2; plus strand). Cytogenetic location: 16p13.3.
Variant type: single nucleotide variant.
Coding change: c.4153T>G on transcript NM_000548.5 (MANE Select); coding-DNA position 4153, T replaced by G.
Protein change: p.Ser1385Ala; replaces serine 1385 with alanine.
Molecular consequence: missense variant. On other transcripts: non-coding transcript variant (5).
Genome position (GRCh38, 1-based): chr16:2,084,375, T>G. VCF-style: chr16-2084375-T-G. GRCh37 (hg19) VCF-style: chr16-2134376-T-G.
Other names: c.3952T>G, p.Ser1318Ala (NM_001077183.3); c.4084T>G, p.Ser1362Ala (NM_001114382.3); c.3844T>G, p.Ser1282Ala (NM_001318827.2); c.3808T>G, p.Ser1270Ala (NM_001318829.2); c.3421T>G, p.Ser1141Ala (NM_001318831.2); c.3985T>G, p.Ser1329Ala (NM_001318832.2); c.3955T>G, p.Ser1319Ala (NM_001363528.2); c.4021T>G, p.Ser1341Ala (NM_001370404.1); and 26 more; short protein forms S1118A, S1119A, S1318A, S1342A, S1361A, S1384A, S870A, S894A.
Identifiers: ClinVar variation 3637232 (VCV003637232.2).
Genomic context (GRCh38, chr16:2,084,375, plus strand): 5'-TCGGAGGGTGGCCGGCCCTCTGTGGACCTCTCCTTCCAGCCCTCGCAGCCCCTGAGCAAG[T>G]CCAGCTCCTCTCCCGAGCTGCAGACTCTGCAGGACATCCTCGGGGACCCTGGGGACAAGG-3'
Protein context (NP_000539.2, residues 1375-1395): SFQPSQPLSK[Ser1385Ala]SSSPELQTLQ